The following is an entry in ClinVar:

ClinVar aggregate classification (germline): Uncertain significance (1 of 4 stars; one submission).

Submission:

Labcorp Genetics (formerly Invitae), Labcorp
Classification: Uncertain significance. Last evaluated: 2024-07-21. Review status: criteria provided, single submitter. Criteria: Invitae Variant Classification Sherloc (09022015). Collection method: clinical testing. Allele origin: germline.
Comment: This sequence change replaces glycine, which is neutral and non-polar, with aspartic acid, which is acidic and polar, at codon 1357 of the DSCAML1 protein (p.Gly1357Asp). This variant is not present in population databases (gnomAD no frequency). This variant has not been reported in the literature in individuals affected with DSCAML1-related conditions. An algorithm developed to predict the effect of missense changes on protein structure and function (PolyPhen-2) suggests that this variant is likely to be disruptive. In summary, the available evidence is currently insufficient to determine the role of this variant in disease. Therefore, it has been classified as a Variant of Uncertain Significance.

NM_020693.4(DSCAML1):c.3890G>A (p.Gly1297Asp)

Gene: DSCAML1 (DS cell adhesion molecule like 1; minus strand). Cytogenetic location: 11q23.3.
Variant type: single nucleotide variant.
Coding change: c.3890G>A on transcript NM_020693.4 (MANE Select); coding-DNA position 3890, G replaced by A.
Protein change: p.Gly1297Asp; replaces glycine 1297 with aspartic acid.
Molecular consequence: missense variant.
Genome position (GRCh38, 1-based): chr11:117,439,909, C>T on the plus strand (G>A on the coding strand, the complement: DSCAML1 is on the minus strand). VCF-style: chr11-117439909-C-T. GRCh37 (hg19) VCF-style: chr11-117310625-C-T.
Other names: short protein forms G1297D.
Identifiers: ClinVar variation 3611950 (VCV003611950.2).